The following is an entry in ClinVar:

NM_003998.4(NFKB1):c.2359G>A (p.Asp787Asn)

Gene: NFKB1 (nuclear factor kappa B subunit 1; plus strand). Cytogenetic location: 4q24.
Variant type: single nucleotide variant.
Coding change: c.2359G>A on transcript NM_003998.4 (MANE Select); coding-DNA position 2359, G replaced by A.
Protein change: p.Asp787Asn; replaces aspartic acid 787 with asparagine.
Molecular consequence: missense variant.
Genome position (GRCh38, 1-based): chr4:102,612,050, G>A. VCF-style: chr4-102612050-G-A. GRCh37 (hg19) VCF-style: chr4-103533207-G-A.
Other names: c.2356G>A, p.Asp786Asn (NM_001165412.2, NM_001319226.2, NM_001382627.1); c.2359G>A, p.Asp787Asn (NM_001382625.1, NM_001382626.1); c.2317G>A, p.Asp773Asn (NM_001382628.1); short protein forms D787N, D773N, D786N.
Identifiers: ClinVar variation 3651883 (VCV003651883.2).

ClinVar aggregate classification (germline): Uncertain significance (1 of 4 stars; one submission).

Submission:

Labcorp Genetics (formerly Invitae), Labcorp
Classification: Uncertain significance. Last evaluated: 2024-07-08. Review status: criteria provided, single submitter. Criteria: Invitae Variant Classification Sherloc (09022015). Collection method: clinical testing. Allele origin: germline.
Comment: This sequence change replaces aspartic acid, which is acidic and polar, with asparagine, which is neutral and polar, at codon 787 of the NFKB1 protein (p.Asp787Asn). This variant is not present in population databases (gnomAD no frequency). This variant has not been reported in the literature in individuals affected with NFKB1-related conditions. Advanced modeling of protein sequence and biophysical properties (such as structural, functional, and spatial information, amino acid conservation, physicochemical variation, residue mobility, and thermodynamic stability) performed at Invitae indicates that this missense variant is not expected to disrupt NFKB1 protein function with a negative predictive value of 80%. In summary, the available evidence is currently insufficient to determine the role of this variant in disease. Therefore, it has been classified as a Variant of Uncertain Significance.